The following is an entry in ClinVar:

NM_000702.4(ATP1A2):c.305T>C (p.Leu102Pro)

Gene: ATP1A2 (ATPase Na+/K+ transporting subunit alpha 2; plus strand). Cytogenetic location: 1q23.2.
Variant type: single nucleotide variant.
Coding change: c.305T>C on transcript NM_000702.4 (MANE Select); coding-DNA position 305, T replaced by C.
Protein change: p.Leu102Pro; replaces leucine 102 with proline.
Molecular consequence: missense variant.
Genome position (GRCh38, 1-based): chr1:160,123,340, T>C. VCF-style: chr1-160123340-T-C. GRCh37 (hg19) VCF-style: chr1-160093130-T-C.
Other names: short protein forms L102P.
Identifiers: ClinVar variation 2818400 (VCV002818400.4), dbSNP rs2524854250, ClinGen allele CA343231459.

ClinVar aggregate classification (germline): Conflicting classifications of pathogenicity. Review status: criteria provided, conflicting classifications (1 of 4 stars). 2 submissions from 2 submitters: Likely pathogenic (1); Uncertain significance (1). Last evaluated 2024-05-12.

Conditions:
Familial hemiplegic migraine. Identifiers: MedGen C0338484, MONDO:0000700.
Alternating hemiplegia of childhood 1 (AHC1). Identifiers: Orphanet 2131, MedGen C3549447, MONDO:0007087, OMIM 104290.

Submissions (2):

Genetics and Genomic Medicine Centre, NeuroGen Healthcare, NeuroGen Healthcare
Classification: Likely pathogenic for Alternating hemiplegia of childhood 1. Last evaluated: 2024-05-12. Review status: criteria provided, single submitter. Criteria: ACMG Guidelines, 2015. Collection method: clinical testing. Allele origin: unknown. Affected: yes.

Labcorp Genetics (formerly Invitae), Labcorp
Classification: Uncertain significance for Familial hemiplegic migraine. Last evaluated: 2022-12-04. Review status: criteria provided, single submitter. Criteria: Invitae Variant Classification Sherloc (09022015). Collection method: clinical testing. Allele origin: germline.
Comment: In summary, the available evidence is currently insufficient to determine the role of this variant in disease. Therefore, it has been classified as a Variant of Uncertain Significance. Advanced modeling of protein sequence and biophysical properties (such as structural, functional, and spatial information, amino acid conservation, physicochemical variation, residue mobility, and thermodynamic stability) performed at Invitae indicates that this missense variant is expected to disrupt ATP1A2 protein function. This variant has not been reported in the literature in individuals affected with ATP1A2-related conditions. This variant is not present in population databases (gnomAD no frequency). This sequence change replaces leucine, which is neutral and non-polar, with proline, which is neutral and non-polar, at codon 102 of the ATP1A2 protein (p.Leu102Pro).